The following is an entry in ClinVar:

NM_000059.4(BRCA2):c.3280A>T (p.Lys1094Ter)

Gene: BRCA2 (BRCA2 DNA repair associated; plus strand). Cytogenetic location: 13q13.1.
Variant type: single nucleotide variant.
Coding change: c.3280A>T on transcript NM_000059.4 (MANE Select); coding-DNA position 3280, A replaced by T.
Protein change: p.Lys1094Ter; replaces lysine 1094 with a stop codon.
Molecular consequence: nonsense.
Genome position (GRCh38, 1-based): chr13:32,337,635, A>T. VCF-style: chr13-32337635-A-T. GRCh37 (hg19) VCF-style: chr13-32911772-A-T.
Other names: 3509A>T; short protein forms K1094*.
Identifiers: ClinVar variation 162102 (VCV000162102.6), dbSNP rs690016539, ClinGen allele CA017703.
Genomic context (GRCh38, chr13:32,337,635, plus strand): 5'-AGTAGTGTAGTTGTTTCTGATTGTAAAAATAGTCATATAACCCCTCAGATGTTATTTTCC[A>T]AGCAGGATTTTAATTCAAACCATAATTTAACACCTAGCCAAAAGGCAGAAATTACAGAAC-3'

ClinVar aggregate classification (germline): Pathogenic. Review status: reviewed by expert panel (3 of 4 stars). 2 submissions from 2 submitters: Pathogenic (1). 1 of the submissions does not count toward it. Last evaluated 2016-09-08.

Conditions:
Breast-ovarian cancer, familial, susceptibility to, 2 (BROVCA2). Also called: BRCA2 Hereditary Breast and Ovarian Cancer. Identifiers: Orphanet 145, MedGen C2675520, MONDO:0012933, OMIM 612555. Disease mechanism: loss of function.
Familial cancer of breast. Also called: BREAST CANCER, FAMILIAL; hereditary breast carcinoma; Hereditary breast cancer. Identifiers: Orphanet 227535, MedGen C0346153, MONDO:0016419, OMIM 114480. Disease mechanism: loss of function.

Submissions (2):

Evidence-based Network for the Interpretation of Germline Mutant Alleles (ENIGMA)
Classification: Pathogenic for Breast-ovarian cancer, familial, susceptibility to, 2. Last evaluated: 2016-09-08. Review status: reviewed by expert panel. Criteria: ENIGMA BRCA1/2 Classification Criteria (2015). Collection method: curation. Allele origin: germline.
Comment: Variant allele predicted to encode a truncated non-functional protein.

Faculty of Pharmacy, Ain Shams University
Classification: Pathogenic for Familial Breast cancer. Last evaluated: 2013-01-12. Review status: no assertion criteria provided. Collection method: clinical testing. Allele origin: germline. Inheritance: Autosomal dominant inheritance. Affected: yes. Observed: 4 variant alleles. Not counted in ClinVar's aggregate classification.
Comment: This Nonsense mutation occurs in the ovarian cancer cluster region of BRCA2 gene resuling in the formation of stop codon at position 1094.

Determine the profile of BRCA1/2 mutations in Egyptian female breast cancer patients